The following is an entry in ClinVar:

ClinVar aggregate classification (germline): Benign (1 of 4 stars; one submission).

Allele frequency attached by ClinVar (database versions not stated): 1000 Genomes Project 0.40994; 1000 Genomes Project 30x 0.41599; gnomAD 0.43092 and 0.44117; TOPMed 0.43512.
gnomAD v4.1: 65,502 of 151,980 alleles (43%); highest among the groups gnomAD compares: African/African-American, 64%; 15,424 homozygotes.

Submission:

GeneDx
Classification: Benign. Last evaluated: 2018-06-19. Review status: criteria provided, single submitter. Criteria: GeneDx Variant Classification (06012015). Collection method: clinical testing. Allele origin: germline. Affected: yes.
Comment: This variant is considered likely benign or benign based on one or more of the following criteria: it is a conservative change, it occurs at a poorly conserved position in the protein, it is predicted to be benign by multiple in silico algorithms, and/or has population frequency not consistent with disease.

NM_003476.5(CSRP3):c.112+278T>C

Gene: CSRP3 (cysteine and glycine rich protein 3; minus strand). Cytogenetic location: 11p15.1.
Variant type: single nucleotide variant.
Coding change: c.112+278T>C on transcript NM_003476.5 (MANE Select); 278 bases into the intron after coding-DNA position 112, T replaced by C.
Molecular consequence: intron variant.
Genome position (GRCh38, 1-based): chr11:19,192,059, A>G on the plus strand (T>C on the coding strand, the complement: CSRP3 is on the minus strand). VCF-style: chr11-19192059-A-G. GRCh37 (hg19) VCF-style: chr11-19213606-A-G.
Other names: c.112+278T>C (NM_001369404.1).
Identifiers: ClinVar variation 683438 (VCV000683438.1), dbSNP rs7933466, ClinGen allele CA13375698.
Genomic context (GRCh38, chr11:19,192,059, plus strand): 5'-CCTTTCTCTGCCAAGTCACATGTTGTCAATGTCGCCATGGGGTCAAAGTTTTCCCTACAG[A>G]GAGCAGTGACAGGCTAGCTTGTTCTGACGTTGAGCTACAGGAAAATGAATGGCCTCTGAG-3'